The following is an entry in ClinVar:

ClinVar aggregate classification (germline): Pathogenic (1 of 4 stars; one submission).

Conditions:
Pitt-Hopkins syndrome (PTHS). Also called: ENCEPHALOPATHY, SEVERE EPILEPTIC, WITH AUTONOMIC DYSFUNCTION; MENTAL RETARDATION, SYNDROMAL, WITH INTERMITTENT HYPERVENTILATION. Identifiers: Orphanet 2896, MedGen C1970431, MONDO:0012589, OMIM 610954.

Submission:

Labcorp Genetics (formerly Invitae), Labcorp
Classification: Pathogenic for Pitt-Hopkins syndrome. Last evaluated: 2022-03-26. Review status: criteria provided, single submitter. Criteria: Invitae Variant Classification Sherloc (09022015). Collection method: clinical testing. Allele origin: germline.
Comment: For these reasons, this variant has been classified as Pathogenic. This variant disrupts a region of the TCF4 protein in which other variant(s) (p.Gly60Arg) have been determined to be pathogenic (Invitae). This suggests that this is a clinically significant region of the protein, and that variants that disrupt it are likely to be disease-causing. A similar copy number variant has been observed in individual(s) with Pitt-Hopkins syndrome (PMID: 29318938). This variant is a gross deletion of the genomic region encompassing exon(s) 4-5 of the TCF4 gene. This variant would be expected to be in-frame, preserving the integrity of the reading frame.

Literature cited by the submitters: PubMed 29318938.

NC_000018.9:g.(?_53128230)_(53131388_?)del

Gene: TCF4 (transcription factor 4; minus strand). Cytogenetic location: 18q21.2.
Variant type: Deletion.
Identifiers: ClinVar variation 2423675 (VCV002423675.4).